The following is an entry in ClinVar:

NM_000492.4(CFTR):c.3737C>T (p.Thr1246Ile)

Genes: CFTR-AS2 (CFTR antisense RNA 2; minus strand), CFTR (CF transmembrane conductance regulator; plus strand). Cytogenetic location: 7q31.2.
Variant type: single nucleotide variant.
Coding change: c.3737C>T on transcript NM_000492.4 (MANE Select); coding-DNA position 3737, C replaced by T.
Protein change: p.Thr1246Ile; replaces threonine 1246 with isoleucine.
Molecular consequence: missense variant.
Genome position (GRCh38, 1-based): chr7:117,642,457, C>T. VCF-style: chr7-117642457-C-T. GRCh37 (hg19) VCF-style: chr7-117282511-C-T.
Other names: short protein forms T1246I.
Identifiers: ClinVar variation 53799 (VCV000053799.72), dbSNP rs397508600, ClinGen allele CA327268.

ClinVar aggregate classification (germline): Pathogenic/Likely pathogenic. Review status: criteria provided, multiple submitters, no conflicts (2 of 4 stars). 14 submissions from 14 submitters: Pathogenic (8); Likely pathogenic (4). 2 of the submissions do not count toward it. Last evaluated 2026-04-22.

Conditions:
Cystic fibrosis diagnostic test.
CFTR-related disorder (CFTR-RD). Also called: CFTR-related condition; CFTR-related disorders. Identifiers: MedGen C5924204, MONDO:7770004.
Bronchiectasis with or without elevated sweat chloride 1 (BESC1). Also called: Cystic Fibrosis-Like Syndrome. Identifiers: Orphanet 60033, MedGen C2749757, MONDO:0008887, OMIM 211400.
Cystic fibrosis (CF). Also called: MUCOVISCIDOSIS. Identifiers: Orphanet 586, MedGen C0010674, MONDO:0009061, OMIM 219700. Disease mechanism: loss of function.

Allele frequency attached by ClinVar (database versions not stated): TOPMed below 0.00001; ExAC 0.00001; gnomAD 0.00001.
gnomAD v4.1: 28 of 1,613,436 alleles (0.0017%); highest among the groups gnomAD compares: Non-Finnish European, 0.0022%; no homozygotes.

Submissions 1 to 10 of 14:

NHS Central & South Genomic Laboratory Hub
Classification: Pathogenic for Cystic fibrosis diagnostic test. Last evaluated: 2026-04-22. Review status: criteria provided, single submitter. Criteria: ACMG Guidelines, 2015. Collection method: clinical testing. Allele origin: germline. Affected: yes.

Labcorp Genetics (formerly Invitae), Labcorp
Classification: Pathogenic for Cystic fibrosis. Last evaluated: 2025-12-10. Review status: criteria provided, single submitter. Criteria: Invitae Variant Classification Sherloc (09022015). Collection method: clinical testing. Allele origin: germline.
Comment: This sequence change replaces threonine, which is neutral and polar, with isoleucine, which is neutral and non-polar, at codon 1246 of the CFTR protein (p.Thr1246Ile). This variant is present in population databases (rs397508600, gnomAD 0.0009%). This missense change has been observed in individuals with cystic fibrosis, and intermediate sweat chloride results (PMID: 10923036, 19318346, 20538955, 22678879, 28129813). ClinVar contains an entry for this variant (Variation ID: 53799). Invitae Evidence Modeling of protein sequence and biophysical properties (such as structural, functional, and spatial information, amino acid conservation, physicochemical variation, residue mobility, and thermodynamic stability) indicates that this missense variant is expected to disrupt CFTR protein function with a positive predictive value of 80%. Experimental studies have shown that this missense change affects CFTR function (PMID: 29805046, 30046002). For these reasons, this variant has been classified as Pathogenic.

Natera, Inc.
Classification: Likely pathogenic for CFTR-related disorders. Last evaluated: 2025-10-09. Review status: criteria provided, single submitter. Criteria: Natera Variant Classification Schema (03/2026). Collection method: clinical testing. Allele origin: germline.
Comment: The c.3737C>T variant in CFTR is a missense variant predicted to cause substitution of threonine to isoleucine at amino acid 1246. This variant is rare in the general population with a frequency below the threshold expected for the associated phenotype(s). This variant has been observed in one or more individuals affected with the associated recessive disease, as either homozygous or compound heterozygous with a second variant (PMID: 34086412, 30888834, 10923036, 39458161). Functional studies show that this variant may disrupt protein function (PMID: 30046002, 29805046). Computational prediction algorithms indicate this variant is likely to affect gene or protein function. Given the available evidence, this variant is classified as Likely Pathogenic.

Ambry Genetics
Classification: Pathogenic for Cystic fibrosis. Last evaluated: 2025-09-22. Review status: criteria provided, single submitter. Criteria: Ambry Variant Classification Scheme 2023. Collection method: clinical testing. Allele origin: germline.
Comment: The p.T1246I pathogenic mutation (also known as c.3737C>T), located in coding exon 23 of the CFTR gene, results from a C to T substitution at nucleotide position 3737. The threonine at codon 1246 is replaced by isoleucine, an amino acid with similar properties. This alteration has been reported as compound heterozygous with another CFTR alteration in individuals diagnosed with with cystic fibrosis or CFTR-related disorders (Claustres M et al. Hum. Mutat., 2000;16:143-56; Goubau C et al. Thorax, 2009 Aug;64:683-91; Sermet-Gaudelus I et al. Am. J. Respir. Crit. Care Med., 2010 Oct;182:929-36; Masica DL et al. Hum. Mol. Genet., 2015 Apr;24:1908-17). This position has been shown to be important in binding ATP for chloride channel gating, however, the T1246I alteration was not specifically evaluated (Vergani P et al. Nature, 2005 Feb;433:876-80). This variant has been reported in multiple individuals with an elevated sweat chloride level in The Clinical and Functional TRanslation of CFTR (CFTR2) database (available at CFTR2. Accessed 03/29/2022). In CFBE cells, this variant showed reduced CFTR function compared to wild type (Raraigh KS et al. Am. J. Hum. Genet., 2018 06;102:1062-1077; Han ST et al. JCI Insight, 2018 Jul;3(14):pii 121159). The p.T1246I alteration has been reported as a variant of varying clinical consequences (VVCC) (Sosnay PR et al. Pediatr. Clin. North Am., 2016 08;63:585-98; Raraigh KS et al. Am. J. Hum. Genet., 2018 06;102:1062-1077). This amino acid position is highly conserved in available vertebrate species. In addition, this alteration is predicted to be deleterious by in silico analysis. Based on the supporting evidence, this alteration is interpreted as a disease-causing mutation.

Baylor Genetics
Classification: Likely pathogenic for Bronchiectasis with or without elevated sweat chloride 1. Last evaluated: 2024-01-30. Review status: criteria provided, single submitter. Criteria: ACMG Guidelines, 2015. Collection method: clinical testing. Allele origin: unknown.

Mendelics
Classification: Pathogenic for Cystic fibrosis. Last evaluated: 2023-03-11. Review status: criteria provided, single submitter. Criteria: Mendelics Assertion Criteria 2017. Collection method: clinical testing. Allele origin: unknown. Affected: yes.

Women's Health and Genetics/Laboratory Corporation of America, LabCorp
Classification: Pathogenic for Cystic fibrosis. Last evaluated: 2022-10-26. Review status: criteria provided, single submitter. Criteria: LabCorp Variant Classification Summary - May 2015. Collection method: clinical testing. Allele origin: germline.
Comment: Variant summary: CFTR c.3737C>T (p.Thr1246Ile) results in a non-conservative amino acid change located in the ABC transporter-like, ATP-binding (IPR003439) and AAA+ ATPase (IPR003593) domains of the encoded protein sequence. Five of five in-silico tools predict a damaging effect of the variant on protein function. The variant allele was found at a frequency of 4e-06 in 250992 control chromosomes (gnomAD). c.3737C>T has been reported in the literature as a compound heterozygous genotype (mostly in trans with the known pathogenic variant p.Phe508del) in multiple individuals affected with Non-Classic Cystic Fibrosis related phenotypes and has been linked to varying clinical consequences; sweat chloride values were reported to be in the intermediate range for at least some of these individuals (example: Claustres_2000, Goubau_2009, El-Seedy_2012, Sosnay_2017_McCague_2019). These data indicate that the variant is very likely to be associated with disease. At least one publication reports experimental evidence evaluating an impact on protein function. The most pronounced variant effect results in 10%-<30% of normal CFTR activity (Han_2018, Raraigh_2018). Seven clinical diagnostic laboratories have submitted clinical-significance assessments for this variant to ClinVar after 2014 and classified it as VUS (n=2), likely pathogenic (n=2) and pathogenic (n=3). Based on the evidence outlined above, the variant was classified as pathogenic, with varying clinical consequences.

Institute of Human Genetics, University of Leipzig Medical Center
Classification: Likely pathogenic for Cystic fibrosis. Last evaluated: 2022-09-05. Review status: criteria provided, single submitter. Criteria: ACMG Guidelines, 2015. Collection method: curation. Allele origin: unknown. Affected: yes. Observed: 1 variant allele.
Comment: The variant was classified in the context of a project re-classifying variants in the German Cystic Fibrosis Registry (Muko.e.V.). Criteria applied: PS3_SUP, PM2_SUP, PM3_STR, PP3

Department of Pathology and Laboratory Medicine, Sinai Health System
Classification: Pathogenic for cystic fibrosis. Last evaluated: 2021-12-08. Review status: criteria provided, single submitter. Criteria: ACMG Guidelines, 2015. Collection method: research. Allele origin: germline.

CFTR-France
Classification: Pathogenic for CFTR-related disorders. Last evaluated: 2021-01-18. Review status: criteria provided, single submitter. Criteria: Claustres M et al. (Hum Mutat 2017). Collection method: curation. Allele origin: germline. Affected: yes.